The following is an entry in ClinVar:

ClinVar aggregate classification (germline): Uncertain significance (1 of 4 stars; one submission).

Conditions:
Dilated cardiomyopathy 1DD (CMD1DD). Identifiers: Orphanet 154, MedGen C2750995, MONDO:0013168, OMIM 613172.

Submission:

Labcorp Genetics (formerly Invitae), Labcorp
Classification: Uncertain significance for Dilated cardiomyopathy 1DD. Last evaluated: 2019-10-25. Review status: criteria provided, single submitter. Criteria: Invitae Variant Classification Sherloc (09022015). Collection method: clinical testing. Allele origin: germline.
Comment: In summary, the available evidence is currently insufficient to determine the role of this variant in disease. Therefore, it has been classified as a Variant of Uncertain Significance. Algorithms developed to predict the effect of missense changes on protein structure and function are either unavailable or do not agree on the potential impact of this missense change (SIFT: "Not Available"; PolyPhen-2: "Possibly Damaging"; Align-GVGD: "Class C0"). This variant has not been reported in the literature in individuals with RBM20-related conditions. This variant is not present in population databases (ExAC no frequency). This sequence change replaces glycine with valine at codon 241 of the RBM20 protein (p.Gly241Val). The glycine residue is weakly conserved and there is a moderate physicochemical difference between glycine and valine.

NM_001134363.3(RBM20):c.722G>T (p.Gly241Val)

Gene: RBM20 (RNA binding motif protein 20; plus strand). Cytogenetic location: 10q25.2.
Variant type: single nucleotide variant.
Coding change: c.722G>T on transcript NM_001134363.3 (MANE Select); coding-DNA position 722, G replaced by T.
Protein change: p.Gly241Val; replaces glycine 241 with valine.
Molecular consequence: missense variant.
Genome position (GRCh38, 1-based): chr10:110,781,331, G>T. VCF-style: chr10-110781331-G-T. GRCh37 (hg19) VCF-style: chr10-112541089-G-T.
Other names: short protein forms G241V.
Identifiers: ClinVar variation 956050 (VCV000956050.9), dbSNP rs1844342727, ClinGen allele CA378382607.
Genomic context (GRCh38, chr10:110,781,331, plus strand): 5'-CTGCTCCAGCTACAGCAGGATTCTATGAGTATGGCAAAGCCAGCTCTGGCCAGACATATG[G>T]CCCTGAAACAGATGGTCAGCCTGGCTTCCTGCCATCCTCGGCCTCAACCTCGGGCAGTGT-3'
Protein context (NP_001127835.2, residues 231-251): YGKASSGQTY[Gly241Val]PETDGQPGFL